The following is an entry in ClinVar:

NM_001040142.2(SCN2A):c.1165C>A (p.Leu389Ile)

Gene: SCN2A (sodium voltage-gated channel alpha subunit 2; plus strand). Cytogenetic location: 2q24.3.
Variant type: single nucleotide variant.
Coding change: c.1165C>A on transcript NM_001040142.2 (MANE Select); coding-DNA position 1165, C replaced by A.
Protein change: p.Leu389Ile; replaces leucine 389 with isoleucine.
Molecular consequence: missense variant.
Genome position (GRCh38, 1-based): chr2:165,313,750, C>A. VCF-style: chr2-165313750-C-A. GRCh37 (hg19) VCF-style: chr2-166170260-C-A.
Other names: c.1165C>A, p.Leu389Ile (NM_001040143.2, NM_001371246.1, NM_001371247.1 and 1 more transcripts); short protein forms L389I.
Identifiers: ClinVar variation 3063771 (VCV003063771.1), dbSNP rs761665229, ClinGen allele CA349021290.

ClinVar aggregate classification (germline): Uncertain significance (1 of 4 stars; one submission).

gnomAD v4.1: 1 of 1,613,636 alleles (0.000062%); no homozygotes.

Submission:

Women's Health and Genetics/Laboratory Corporation of America, LabCorp
Classification: Uncertain significance. Last evaluated: 2024-01-04. Review status: criteria provided, single submitter. Criteria: LabCorp Variant Classification Summary - May 2015. Collection method: clinical testing. Allele origin: germline.
Comment: Variant summary: SCN2A c.1165C>A (p.Leu389Ile) results in a conservative amino acid change located in the Ion transport domain (IPR005821) of the encoded protein sequence. Four of five in-silico tools predict a damaging effect of the variant on protein function. The variant was absent in 251198 control chromosomes. The available data on variant occurrences in the general population are insufficient to allow any conclusion about variant significance. To our knowledge, no occurrence of c.1165C>A in individuals affected with Early Infantile Epileptic Encephalopathy 11 and no experimental evidence demonstrating its impact on protein function have been reported. No submitters have cited clinical-significance assessments for this variant to ClinVar after 2014. Based on the evidence outlined above, the variant was classified as uncertain significance.